The following is an entry in ClinVar:

ClinVar aggregate classification (germline): Uncertain significance (1 of 4 stars; one submission).

Conditions:
Dyskeratosis congenita, autosomal dominant 6 (DKCA6). Identifiers: Orphanet 3322, MedGen C4225284, MONDO:0014690, OMIM 616553.

Submission:

Labcorp Genetics (formerly Invitae), Labcorp
Classification: Uncertain significance for Dyskeratosis congenita, autosomal dominant 6. Last evaluated: 2022-05-04. Review status: criteria provided, single submitter. Criteria: Invitae Variant Classification Sherloc (09022015). Collection method: clinical testing. Allele origin: germline.
Comment: This sequence change replaces proline, which is neutral and non-polar, with threonine, which is neutral and polar, at codon 543 of the ACD protein (p.Pro543Thr). This variant is not present in population databases (gnomAD no frequency). In summary, the available evidence is currently insufficient to determine the role of this variant in disease. Therefore, it has been classified as a Variant of Uncertain Significance. Algorithms developed to predict the effect of missense changes on protein structure and function (SIFT, PolyPhen-2, Align-GVGD) all suggest that this variant is likely to be tolerated. This variant has not been reported in the literature in individuals affected with ACD-related conditions.

NM_001082486.2(ACD):c.1369C>A (p.Pro457Thr)

Gene: ACD (ACD shelterin complex subunit and telomerase recruitment factor; minus strand). Cytogenetic location: 16q22.1.
Variant type: single nucleotide variant.
Coding change: c.1369C>A on transcript NM_001082486.2 (MANE Select); coding-DNA position 1369, C replaced by A.
Protein change: p.Pro457Thr; replaces proline 457 with threonine.
Molecular consequence: missense variant.
Genome position (GRCh38, 1-based): chr16:67,657,614, G>T on the plus strand (C>A on the coding strand, the complement: ACD is on the minus strand). VCF-style: chr16-67657614-G-T. GRCh37 (hg19) VCF-style: chr16-67691517-G-T.
Other names: c.1282C>A, p.Pro428Thr (NM_001410884.1); c.1360C>A, p.Pro454Thr (NM_022914.3); short protein forms P454T, P457T, P428T.
Identifiers: ClinVar variation 2185290 (VCV002185290.4), dbSNP rs1313859184, ClinGen allele CA396349506.